The following is an entry in ClinVar:

NM_015559.3(SETBP1):c.2197G>A (p.Ala733Thr)

Gene: SETBP1 (SET binding protein 1; plus strand). Cytogenetic location: 18q12.3.
Variant type: single nucleotide variant.
Coding change: c.2197G>A on transcript NM_015559.3 (MANE Select); coding-DNA position 2197, G replaced by A.
Protein change: p.Ala733Thr; replaces alanine 733 with threonine.
Molecular consequence: missense variant.
Genome position (GRCh38, 1-based): chr18:44,951,537, G>A. VCF-style: chr18-44951537-G-A. GRCh37 (hg19) VCF-style: chr18-42531502-G-A.
Other names: c.2197G>A, p.Ala733Thr (NM_001379141.1, NM_001379142.1, NM_001410862.1); short protein forms A733T.
Identifiers: ClinVar variation 1976547 (VCV001976547.5), dbSNP rs951139642, ClinGen allele CA299698317.

ClinVar aggregate classification (germline): Uncertain significance (1 of 4 stars; one submission).

Submission:

Labcorp Genetics (formerly Invitae), Labcorp
Classification: Uncertain significance. Last evaluated: 2024-10-04. Review status: criteria provided, single submitter. Criteria: Invitae Variant Classification Sherloc (09022015). Collection method: clinical testing. Allele origin: germline.
Comment: This sequence change replaces alanine, which is neutral and non-polar, with threonine, which is neutral and polar, at codon 733 of the SETBP1 protein (p.Ala733Thr). This variant is not present in population databases (gnomAD no frequency). This variant has not been reported in the literature in individuals affected with SETBP1-related conditions. ClinVar contains an entry for this variant (Variation ID: 1976547). Invitae Evidence Modeling of protein sequence and biophysical properties (such as structural, functional, and spatial information, amino acid conservation, physicochemical variation, residue mobility, and thermodynamic stability) indicates that this missense variant is not expected to disrupt SETBP1 protein function with a negative predictive value of 80%. In summary, the available evidence is currently insufficient to determine the role of this variant in disease. Therefore, it has been classified as a Variant of Uncertain Significance.